The following is an entry in ClinVar:

NM_194277.3(FRMD7):c.1588C>T (p.Pro530Ser)

Gene: FRMD7 (FERM domain containing 7; minus strand). Cytogenetic location: Xq26.2.
Variant type: single nucleotide variant.
Coding change: c.1588C>T on transcript NM_194277.3 (MANE Select); coding-DNA position 1588, C replaced by T.
Protein change: p.Pro530Ser; replaces proline 530 with serine.
Molecular consequence: missense variant.
Genome position (GRCh38, 1-based): chrX:132,078,429, G>A on the plus strand (C>T on the coding strand, the complement: FRMD7 is on the minus strand). VCF-style: chrX-132078429-G-A. GRCh37 (hg19) VCF-style: chrX-131212457-G-A.
Other names: c.1543C>T, p.Pro515Ser (NM_001306193.2); short protein forms P530S, P515S.
Identifiers: ClinVar variation 712417 (VCV000712417.12), dbSNP rs200651852, ClinGen allele CA10518841.

ClinVar aggregate classification (germline): Conflicting classifications of pathogenicity. Review status: criteria provided, conflicting classifications (1 of 4 stars). 2 submissions from 2 submitters: Uncertain significance (1); Benign (1). Last evaluated 2025-09-02.

Conditions:
Nystagmus 1, congenital, X-linked. Also called: FRMD7-Related Infantile Nystagmus; NYSTAGMUS 1, INFANTILE, X-LINKED; NYSTAGMUS, CONGENITAL MOTOR, 1; NYSTAGMUS, INFANTILE IDIOPATHIC; NYSTAGMUS, INFANTILE PERIODIC ALTERNATING, X-LINKED. Identifiers: MedGen C1839580, MONDO:0010693, OMIM 310700.

Allele frequency attached by ClinVar (database versions not stated): TOPMed 0.00001; gnomAD exomes 0.00002 and 0.00005; ExAC 0.00003; gnomAD 0.00003; ESP Exome Variant Server 0.00009.
gnomAD v4.1: 28 of 1,209,500 alleles (0.0023%); highest among the groups gnomAD compares: Admixed American, 0.0022%; no homozygotes.

Submissions (2):

Labcorp Genetics (formerly Invitae), Labcorp
Classification: Benign. Last evaluated: 2025-09-02. Review status: criteria provided, single submitter. Criteria: Invitae Variant Classification Sherloc (09022015). Collection method: clinical testing. Allele origin: germline.

Illumina Laboratory Services, Illumina
Classification: Uncertain significance for Nystagmus 1, congenital, X-linked. Last evaluated: 2017-04-27. Review status: criteria provided, single submitter. Criteria: ICSL Variant Classification Criteria 13 December 2019. Collection method: clinical testing. Allele origin: germline.
Comment: This variant was observed as part of a predisposition screen in an ostensibly healthy population. A literature search was performed for the gene, cDNA change, and amino acid change (where applicable). Publications were found based on this search. However, the evidence from the literature, in combination with allele frequency data from public databases where available, was not sufficient to rule this variant in or out of causing disease. Therefore, this variant is classified as a variant of unknown significance.

Literature cited by the submitters: PubMed 23020937 (cited by Illumina Laboratory Services, Illumina).